The following is an entry in ClinVar:

NM_004104.5(FASN):c.5218+3G>A

Gene: FASN (fatty acid synthase; minus strand). Cytogenetic location: 17q25.3.
Variant type: single nucleotide variant.
Coding change: c.5218+3G>A on transcript NM_004104.5 (MANE Select); 3 bases into the intron after coding-DNA position 5218, G replaced by A.
Molecular consequence: intron variant.
Genome position (GRCh38, 1-based): chr17:82,083,769, C>T on the plus strand (G>A on the coding strand, the complement: FASN is on the minus strand). VCF-style: chr17-82083769-C-T. GRCh37 (hg19) VCF-style: chr17-80041645-C-T.
Identifiers: ClinVar variation 1005718 (VCV001005718.6), dbSNP rs2034035248, ClinGen allele CA2278833957.
Genomic context (GRCh38, chr17:82,083,769, plus strand): 5'-CCCTGCTTCTCCCTGGGCCGGAGGCTAGGCAGGAGGCAGGTGGGGGCTGTGGGGGCCACT[C>T]ACCCTTCCCGCCCGTGTGCCACAGCACATGCTGCTCGAAGGATGTGTCCCGGGAGTTGGC-3'

ClinVar aggregate classification (germline): Uncertain significance (1 of 4 stars; one submission).

Conditions:
Epileptic encephalopathy. Identifiers: MedGen C0543888, HP:0200134.

Submission:

Labcorp Genetics (formerly Invitae), Labcorp
Classification: Uncertain significance for Epileptic encephalopathy. Last evaluated: 2023-11-24. Review status: criteria provided, single submitter. Criteria: Invitae Variant Classification Sherloc (09022015). Collection method: clinical testing. Allele origin: germline.
Comment: This sequence change falls in intron 30 of the FASN gene. It does not directly change the encoded amino acid sequence of the FASN protein. It affects a nucleotide within the consensus splice site. This variant is not present in population databases (gnomAD no frequency). This variant has not been reported in the literature in individuals affected with FASN-related conditions. ClinVar contains an entry for this variant (Variation ID: 1005718). Variants that disrupt the consensus splice site are a relatively common cause of aberrant splicing (PMID: 17576681, 9536098). Algorithms developed to predict the effect of sequence changes on RNA splicing suggest that this variant is not likely to affect RNA splicing. In summary, the available evidence is currently insufficient to determine the role of this variant in disease. Therefore, it has been classified as a Variant of Uncertain Significance.

Literature cited by the submitters: PubMed 17576681; PubMed 9536098.